The following is an entry in ClinVar:

NM_014795.4(ZEB2):c.2545G>A (p.Val849Ile)

Gene: ZEB2 (zinc finger E-box binding homeobox 2; minus strand). Cytogenetic location: 2q22.3.
Variant type: single nucleotide variant.
Coding change: c.2545G>A on transcript NM_014795.4 (MANE Select); coding-DNA position 2545, G replaced by A.
Protein change: p.Val849Ile; replaces valine 849 with isoleucine.
Molecular consequence: missense variant.
Genome position (GRCh38, 1-based): chr2:144,398,642, C>T on the plus strand (G>A on the coding strand, the complement: ZEB2 is on the minus strand). VCF-style: chr2-144398642-C-T. GRCh37 (hg19) VCF-style: chr2-145156209-C-T.
Other names: c.2473G>A, p.Val825Ile (NM_001171653.2); short protein forms V849I, V825I.
Identifiers: ClinVar variation 569360 (VCV000569360.10), dbSNP rs1560606101, ClinGen allele CA348708037.

ClinVar aggregate classification (germline): Uncertain significance (1 of 4 stars; one submission).

Conditions:
Mowat-Wilson syndrome (MOWS). Also called: Classic Mowat-Wilson Syndrome. Identifiers: Orphanet 2152, MedGen C1856113, MONDO:0009341, OMIM 235730.

Allele frequency attached by ClinVar (database versions not stated): gnomAD exomes 0.00004.
gnomAD v4.1: 51 of 1,614,050 alleles (0.0032%); highest among the groups gnomAD compares: Non-Finnish European, 0.0042%; no homozygotes.

Submission:

Labcorp Genetics (formerly Invitae), Labcorp
Classification: Uncertain significance for Mowat-Wilson syndrome. Last evaluated: 2019-07-31. Review status: criteria provided, single submitter. Criteria: Invitae Variant Classification Sherloc (09022015). Collection method: clinical testing. Allele origin: germline.
Comment: This sequence change replaces valine with isoleucine at codon 849 of the ZEB2 protein (p.Val849Ile). The valine residue is highly conserved and there is a small physicochemical difference between valine and isoleucine. This variant is not present in population databases (ExAC no frequency). This variant has not been reported in the literature in individuals with ZEB2-related disease. Algorithms developed to predict the effect of missense changes on protein structure and function output the following: SIFT: "Tolerated"; PolyPhen-2: "Benign"; Align-GVGD: "Class C0". The isoleucine amino acid residue is found in multiple mammalian species, suggesting that this missense change does not adversely affect protein function. These predictions have not been confirmed by published functional studies and their clinical significance is uncertain. In summary, the available evidence is currently insufficient to determine the role of this variant in disease. Therefore, it has been classified as a Variant of Uncertain Significance.